The following is an entry in ClinVar:

NM_000465.4(BARD1):c.94G>A (p.Gly32Ser)

Gene: BARD1 (BRCA1 associated RING domain 1; minus strand). Cytogenetic location: 2q35.
Variant type: single nucleotide variant.
Coding change: c.94G>A on transcript NM_000465.4 (MANE Select); coding-DNA position 94, G replaced by A.
Protein change: p.Gly32Ser; replaces glycine 32 with serine.
Molecular consequence: missense variant. On other transcripts: non-coding transcript variant (3).
Genome position (GRCh38, 1-based): chr2:214,809,476, C>T on the plus strand (G>A on the coding strand, the complement: BARD1 is on the minus strand). VCF-style: chr2-214809476-C-T. GRCh37 (hg19) VCF-style: chr2-215674200-C-T.
Other names: c.94G>A (NM_000465.2); c.94G>A, p.Gly32Ser (NM_001282543.2, NM_001282545.2, NM_001282548.2 and 1 more transcripts); short protein forms G32S.
Identifiers: ClinVar variation 662082 (VCV000662082.9), dbSNP rs1224914625, ClinGen allele CA350465063.

ClinVar aggregate classification (germline): Uncertain significance. Review status: criteria provided, multiple submitters, no conflicts (2 of 4 stars). 2 submissions from 2 submitters: Uncertain significance (2). Last evaluated 2025-12-13.

Conditions:
Hereditary cancer-predisposing syndrome. Also called: Neoplastic Syndromes, Hereditary; Tumor predisposition; Hereditary neoplastic syndrome; Hereditary Cancer Syndrome. Identifiers: Orphanet 140162, MedGen C0027672, MeSH D009386, MONDO:0015356.
Familial cancer of breast. Also called: BREAST CANCER, FAMILIAL; hereditary breast carcinoma; Hereditary breast cancer. Identifiers: Orphanet 227535, MedGen C0346153, MONDO:0016419, OMIM 114480. Disease mechanism: loss of function.

Allele frequency attached by ClinVar (database versions not stated): TOPMed below 0.00001.

Submissions (2):

Labcorp Genetics (formerly Invitae), Labcorp
Classification: Uncertain significance for Familial cancer of breast. Last evaluated: 2025-12-13. Review status: criteria provided, single submitter. Criteria: Invitae Variant Classification Sherloc (09022015). Collection method: clinical testing. Allele origin: germline.
Comment: This sequence change replaces glycine, which is neutral and non-polar, with serine, which is neutral and polar, at codon 32 of the BARD1 protein (p.Gly32Ser). This variant is not present in population databases (gnomAD no frequency). This variant has not been reported in the literature in individuals affected with BARD1-related conditions. ClinVar contains an entry for this variant (Variation ID: 662082). An algorithm developed to predict the effect of missense changes on protein structure and function (PolyPhen-2) suggests that this variant is likely to be disruptive. In summary, the available evidence is currently insufficient to determine the role of this variant in disease. Therefore, it has been classified as a Variant of Uncertain Significance.

Ambry Genetics
Classification: Uncertain significance for Hereditary cancer-predisposing syndrome. Last evaluated: 2023-05-11. Review status: criteria provided, single submitter. Criteria: Ambry General Variant Classification Scheme_2022. Collection method: clinical testing. Allele origin: germline.
Comment: The p.G32S variant (also known as c.94G>A), located in coding exon 1 of the BARD1 gene, results from a G to A substitution at nucleotide position 94. The glycine at codon 32 is replaced by serine, an amino acid with similar properties. This amino acid position is well conserved in available vertebrate species. In addition, this alteration is predicted to be tolerated by in silico analysis. Since supporting evidence is limited at this time, the clinical significance of this alteration remains unclear.